The following is an entry in ClinVar:

NM_001347721.2(DYRK1A):c.2087A>G (p.Tyr696Cys)

Gene: DYRK1A (dual specificity tyrosine phosphorylation regulated kinase 1A; plus strand). Cytogenetic location: 21q22.13.
Variant type: single nucleotide variant.
Coding change: c.2087A>G on transcript NM_001347721.2 (MANE Select); coding-DNA position 2087, A replaced by G.
Protein change: p.Tyr696Cys; replaces tyrosine 696 with cysteine.
Molecular consequence: missense variant. On other transcripts: 3 prime UTR variant (2).
Genome position (GRCh38, 1-based): chr21:37,512,353, A>G. VCF-style: chr21-37512353-A-G. GRCh37 (hg19) VCF-style: chr21-38884656-A-G.
Other names: c.2087A>G, p.Tyr696Cys (NM_001347722.2, NM_130436.2); c.2000A>G, p.Tyr667Cys (NM_001347723.2); c.2114A>G, p.Tyr705Cys (NM_001396.5); c.*490A>G (NM_101395.2); c.*399A>G (NM_130438.2); short protein forms Y667C, Y696C, Y705C.
Identifiers: ClinVar variation 3389239 (VCV003389239.17).

ClinVar aggregate classification (germline): Conflicting classifications of pathogenicity. Review status: criteria provided, conflicting classifications (1 of 4 stars). 3 submissions from 3 submitters: Uncertain significance (2); Likely benign (1). Last evaluated 2024-11-01.

Conditions:
DYRK1A-related intellectual disability syndrome (MRD7). Also called: DYRK1A Syndrome; Intellectual developmental disorder, autosomal dominant 7. Identifiers: Orphanet 464306, MedGen C5568143, MONDO:0013578, OMIM 614104.

gnomAD v4.1: 16 of 1,614,002 alleles (0.00099%); highest among the groups gnomAD compares: East Asian, 0.011%; no homozygotes.

Submissions (3):

CeGaT Center for Human Genetics Tuebingen
Classification: Likely benign. Last evaluated: 2024-11-01. Review status: criteria provided, single submitter. Criteria: CeGaT Center For Human Genetics Tuebingen Variant Classification Criteria Version 2. Collection method: clinical testing. Allele origin: germline. Affected: yes. Observed: 1 variant allele.
Comment: DYRK1A: BS2

Labcorp Genetics (formerly Invitae), Labcorp
Classification: Uncertain significance for DYRK1A-related intellectual disability syndrome. Last evaluated: 2024-05-11. Review status: criteria provided, single submitter. Criteria: Invitae Variant Classification Sherloc (09022015). Collection method: clinical testing. Allele origin: germline.
Comment: This sequence change replaces tyrosine, which is neutral and polar, with cysteine, which is neutral and slightly polar, at codon 705 of the DYRK1A protein (p.Tyr705Cys). This variant is present in population databases (no rsID available, gnomAD 0.003%). This variant has not been reported in the literature in individuals affected with DYRK1A-related conditions. An algorithm developed to predict the effect of missense changes on protein structure and function (PolyPhen-2) suggests that this variant is likely to be tolerated. In summary, the available evidence is currently insufficient to determine the role of this variant in disease. Therefore, it has been classified as a Variant of Uncertain Significance.

Blueprint Genetics
Classification: Uncertain significance. Last evaluated: 2024-04-30. Review status: criteria provided, single submitter. Criteria: ACMG Guidelines, 2015. Collection method: clinical testing. Allele origin: germline.